The following is an entry in ClinVar:

ClinVar aggregate classification (germline): Conflicting classifications of pathogenicity. Review status: criteria provided, conflicting classifications (1 of 4 stars). 10 submissions from 10 submitters: Uncertain significance (4); Likely benign (5). 1 of the submissions does not count toward it. Last evaluated 2026-06-01.

Conditions:
ABCB11-related disorder. Also called: ABCB11-related condition.
Familial intrahepatic cholestasis. Identifiers: Orphanet 284385, MedGen CN296401, MONDO:0017290.
Progressive familial intrahepatic cholestasis type 2. Identifiers: Orphanet 79304, MedGen C3489789, MONDO:0011156, OMIM 601847.

Allele frequency attached by ClinVar (database versions not stated): 1000 Genomes Project 0.00040; 1000 Genomes Project 30x 0.00047; ExAC 0.00163; gnomAD 0.00197; TOPMed 0.00201; ESP Exome Variant Server 0.00234.

Submissions (10):

CeGaT Center for Human Genetics Tuebingen
Classification: Likely benign. Last evaluated: 2026-06-01. Review status: criteria provided, single submitter. Criteria: CeGaT Center For Human Genetics Tuebingen Variant Classification Criteria Version 2. Collection method: clinical testing. Allele origin: germline. Affected: yes. Observed: 3 variant alleles.
Comment: ABCB11: BP4, BS2

Genomenon, Inc
Classification: Likely benign for Familial intrahepatic cholestasis. Last evaluated: 2026-04-14. Review status: criteria provided, single submitter. Criteria: Genomenon Sequence Variant Interpretation Standards - Updated. Collection method: curation. Allele origin: germline. Affected: yes.
Comment: ABCB11 p.Val43Ile (c.127G>A) is a missense variant that changes the amino acid at residue 43 from Valine to Isoleucine. This variant has been observed in at least one proband with an ABCB11-related disorder (PMID:28733223). In silico models predict that this variant is not damaging. This variant's allele frequency in gnomAD is greater than expected for this disorder. In conclusion, we classify ABCB11 p.Val43Ile (c.127G>A) as a likely benign variant.

Labcorp Genetics (formerly Invitae), Labcorp
Classification: Likely benign. Last evaluated: 2026-01-28. Review status: criteria provided, single submitter. Criteria: Invitae Variant Classification Sherloc (09022015). Collection method: clinical testing. Allele origin: germline.

Mayo Clinic Laboratories, Mayo Clinic
Classification: Likely benign. Last evaluated: 2024-12-23. Review status: criteria provided, single submitter. Criteria: ACMG Guidelines, 2015. Collection method: clinical testing. Allele origin: germline. Observed: 2 variant alleles.
Comment: BS1, BP4_moderate

Blueprint Genetics
Classification: Likely benign. Last evaluated: 2024-11-22. Review status: criteria provided, single submitter. Criteria: ACMG Guidelines, 2015. Collection method: clinical testing. Allele origin: germline.

Department of Pathology and Laboratory Medicine, Sinai Health System
Classification: Uncertain significance for progressive familial intrahepatic cholestasis type 2. Last evaluated: 2023-11-08. Review status: criteria provided, single submitter. Criteria: ACMG Guidelines, 2015. Collection method: research. Allele origin: germline.

Eurofins Ntd Llc (ga)
Classification: Uncertain significance. Last evaluated: 2018-07-26. Review status: criteria provided, single submitter. Criteria: EGL ClinVar v180209 classification definitions. Collection method: clinical testing. Allele origin: germline. Observed: 15 variant alleles, 15 heterozygotes.

Illumina Laboratory Services, Illumina
Classification: Uncertain significance for Progressive familial intrahepatic cholestasis type 2. Last evaluated: 2017-04-27. Review status: criteria provided, single submitter. Criteria: ICSL Variant Classification Criteria 13 December 2019. Collection method: clinical testing. Allele origin: germline.
Comment: This variant was observed as part of a predisposition screen in an ostensibly healthy population. A literature search was performed for the gene, cDNA change, and amino acid change (where applicable). Publications were found based on this search. However, the evidence from the literature, in combination with allele frequency data from public databases where available, was not sufficient to rule this variant in or out of causing disease. Therefore, this variant is classified as a variant of unknown significance.

Center for Pediatric Genomic Medicine, Children's Mercy Hospital and Clinics
Classification: Uncertain significance. Last evaluated: 2015-06-04. Review status: criteria provided, single submitter. Criteria: ACMG Guidelines, 2015. Collection method: clinical testing. Allele origin: germline.
ClinVar note: Converted during submission from Uncertain Significance to Uncertain significance.

PreventionGenetics, part of Exact Sciences
Classification: Likely benign for ABCB11-related condition. Last evaluated: 2022-03-23. Review status: no assertion criteria provided. Collection method: clinical testing. Allele origin: germline. Not counted in ClinVar's aggregate classification.
Comment: This variant is classified as likely benign based on ACMG/AMP sequence variant interpretation guidelines (Richards et al. 2015 PMID: 25741868, with internal and published modifications).

Literature cited by the submitters: PubMed 28733223 (cited by Genomenon, Inc and Mayo Clinic Laboratories, Mayo Clinic); PubMed 22795478 (cited by Mayo Clinic Laboratories, Mayo Clinic and Illumina Laboratory Services, Illumina); PubMed 23684896 (cited by 3 submitters); PubMed 27153395 (cited by Illumina Laboratory Services, Illumina).

NM_003742.4(ABCB11):c.127G>A (p.Val43Ile)

Gene: ABCB11 (ATP binding cassette subfamily B member 11; minus strand). Cytogenetic location: 2q31.1.
Variant type: single nucleotide variant.
Coding change: c.127G>A on transcript NM_003742.4 (MANE Select); coding-DNA position 127, G replaced by A.
Protein change: p.Val43Ile; replaces valine 43 with isoleucine.
Molecular consequence: missense variant.
Genome position (GRCh38, 1-based): chr2:169,014,326, C>T on the plus strand (G>A on the coding strand, the complement: ABCB11 is on the minus strand). VCF-style: chr2-169014326-C-T. GRCh37 (hg19) VCF-style: chr2-169870836-C-T.
Other names: p.Val43Ile; c.127G>A, p.Val43Ile (LRG_1199t1); short protein forms V43I.
Identifiers: ClinVar variation 197219 (VCV000197219.50), dbSNP rs183406496, ClinGen allele CA245228.